The following is an entry in ClinVar:

NM_005159.5(ACTC1):c.911G>A (p.Gly304Asp)

Genes: GJD2-DT (GJD2 divergent transcript; plus strand), ACTC1 (actin alpha cardiac muscle 1; minus strand). Cytogenetic location: 15q14.
Variant type: single nucleotide variant.
Coding change: c.911G>A on transcript NM_005159.5 (MANE Select); coding-DNA position 911, G replaced by A.
Protein change: p.Gly304Asp; replaces glycine 304 with aspartic acid.
Molecular consequence: missense variant.
Genome position (GRCh38, 1-based): chr15:34,791,193, C>T on the plus strand (G>A on the coding strand, the complement: ACTC1 is on the minus strand). VCF-style: chr15-34791193-C-T. GRCh37 (hg19) VCF-style: chr15-35083394-C-T.
Other names: short protein forms G304D.
Identifiers: ClinVar variation 864416 (VCV000864416.2), dbSNP rs1891696834, ClinGen allele CA391629444.

ClinVar aggregate classification (germline): Conflicting classifications of pathogenicity. Review status: criteria provided, conflicting classifications (1 of 4 stars). 2 submissions from 2 submitters: Likely pathogenic (1); Uncertain significance (1). Last evaluated 2026-03-25.

Conditions:
Atrial septal defect 5 (ASD5). Identifiers: Orphanet 1478, MedGen C2748552, MONDO:0013011, OMIM 612794.
Hypertrophic cardiomyopathy 11. Also called: ACTC1-Related Familial Hypertrophic Cardiomyopathy. Identifiers: MedGen C2677506, MONDO:0012799, OMIM 612098.
Dilated cardiomyopathy 1R (CMD1R). Identifiers: Orphanet 154, Orphanet 54260, MedGen C3150681, MONDO:0013261, OMIM 613424.

Submissions (2):

Molecular Diagnostics Laboratory, M Health Fairview: University of Minnesota
Classification: Likely pathogenic for Dilated cardiomyopathy 1R. Last evaluated: 2026-03-25. Review status: criteria provided, single submitter. Criteria: ACMG Guidelines, 2015. Collection method: clinical testing. Allele origin: de novo. Affected: yes.
Comment: The c.911G>A (p.Gly304Asp) missense variant in ACTC1 is absent from the gnomAD (v4.1.0) database of approximately 800,000 controls. This variant has been reported as a variant of uncertain significance by a single submitting laboratory in ClinVar. In silico prediction models estimate this variant to be damaging; however, the accuracy of such models is limited. This variant has not been reported in a review of relevant medical literature. Based upon the available evidence, this variant is classified as likely pathogenic for ACTC1-related cardiac disease.

Labcorp Genetics (formerly Invitae), Labcorp
Classification: Uncertain significance for Dilated cardiomyopathy 1R; Familial hypertrophic cardiomyopathy 11; Atrial septal defect 5. Last evaluated: 2019-02-25. Review status: criteria provided, single submitter. Criteria: Invitae Variant Classification Sherloc (09022015). Collection method: clinical testing. Allele origin: germline.
Comment: This sequence change replaces glycine with aspartic acid at codon 304 of the ACTC1 protein (p.Gly304Asp). The glycine residue is highly conserved and there is a moderate physicochemical difference between glycine and aspartic acid. This variant is not present in population databases (ExAC no frequency). This variant has not been reported in the literature in individuals with ACTC1-related conditions. Algorithms developed to predict the effect of missense changes on protein structure and function are either unavailable or do not agree on the potential impact of this missense change (SIFT: "Deleterious"; PolyPhen-2: "Benign"; Align-GVGD: "Class C65"). In summary, the available evidence is currently insufficient to determine the role of this variant in disease. Therefore, it has been classified as a Variant of Uncertain Significance.